The following is an entry in ClinVar:

ClinVar aggregate classification (germline): Conflicting classifications of pathogenicity. Review status: criteria provided, conflicting classifications (1 of 4 stars). 2 submissions from 2 submitters: Likely pathogenic (1); Uncertain significance (1). Last evaluated 2025-03-07.

Allele frequency attached by ClinVar (database versions not stated): gnomAD exomes 0.00001.

Submissions (2):

Labcorp Genetics (formerly Invitae), Labcorp
Classification: Likely pathogenic. Last evaluated: 2025-03-07. Review status: criteria provided, single submitter. Criteria: Invitae Variant Classification Sherloc (09022015). Collection method: clinical testing. Allele origin: germline.
Comment: This sequence change affects an acceptor splice site in intron 6 of the DISP1 gene. It is expected to disrupt RNA splicing. Variants that disrupt the donor or acceptor splice site typically lead to a loss of protein function (PMID: 16199547), and loss-of-function variants in DISP1 are known to be pathogenic (PMID: 38529886). This variant is present in population databases (no rsID available, gnomAD 0.009%). This variant has not been reported in the literature in individuals affected with DISP1-related conditions. ClinVar contains an entry for this variant (Variation ID: 2836390). Algorithms developed to predict the effect of sequence changes on RNA splicing suggest that this variant may disrupt the consensus splice site. In summary, the currently available evidence indicates that the variant is pathogenic, but additional data are needed to prove that conclusively. Therefore, this variant has been classified as Likely Pathogenic.

GeneDx
Classification: Uncertain significance. Last evaluated: 2023-07-31. Review status: criteria provided, single submitter. Criteria: GeneDx Variant Classification Process June 2021. Collection method: clinical testing. Allele origin: germline.
Comment: Canonical splice site variant in a gene or region of a gene for which loss of function is not a well-established mechanism of disease; Has not been previously published as pathogenic or benign to our knowledge; Variants in candidate genes are classified as variants of uncertain significance in accordance with ACMG guidelines (Richards et al., 2015)

Literature cited by the submitters: PubMed 16199547 (cited by Labcorp Genetics (formerly Invitae), Labcorp); PubMed 38529886 (cited by Labcorp Genetics (formerly Invitae), Labcorp).

NM_001377229.1(DISP1):c.664-2A>G

Gene: DISP1 (dispatched RND transporter family member 1; plus strand). Cytogenetic location: 1q41.
Variant type: single nucleotide variant.
Coding change: c.664-2A>G on transcript NM_001377229.1 (MANE Select); the canonical splice acceptor site of the intron before coding-DNA position 664, A replaced by G.
Molecular consequence: splice acceptor variant.
Genome position (GRCh38, 1-based): chr1:222,991,518, A>G. VCF-style: chr1-222991518-A-G. GRCh37 (hg19) VCF-style: chr1-223164860-A-G.
Other names: c.664-2A>G (NM_032890.5, NM_001377228.1, NM_001369594.1); c.-224-2A>G (NM_001350630.2).
Identifiers: ClinVar variation 2836390 (VCV002836390.4), dbSNP rs1383911599, ClinGen allele CA344677112.
Genomic context (GRCh38, chr1:222,991,518, plus strand): 5'-TATTGTAACTGTACTTAGCCTGAAATGAAATATACTAATGAGCACCTGTAATTTTGCCTT[A>G]GGGTTTTGAACCAAGAGGAACAGCAATAGGCCAGAGATTGGTCACATGGAATAATATGGT-3'